The following is an entry in ClinVar:

NM_001385012.1(NBEA):c.1190T>C (p.Leu397Pro)

Gene: NBEA (neurobeachin; plus strand). Cytogenetic location: 13q13.3.
Variant type: single nucleotide variant.
Coding change: c.1190T>C on transcript NM_001385012.1 (MANE Select); coding-DNA position 1190, T replaced by C.
Protein change: p.Leu397Pro; replaces leucine 397 with proline.
Molecular consequence: missense variant.
Genome position (GRCh38, 1-based): chr13:35,058,814, T>C. VCF-style: chr13-35058814-T-C. GRCh37 (hg19) VCF-style: chr13-35632951-T-C.
Other names: c.1190T>C, p.Leu397Pro (NM_001379245.1, NM_015678.5); short protein forms L397P.
Identifiers: ClinVar variation 3375663 (VCV003375663.1).

ClinVar aggregate classification (germline): Uncertain significance (1 of 4 stars; one submission).

Submission:

GeneDx
Classification: Uncertain significance. Last evaluated: 2024-05-11. Review status: criteria provided, single submitter. Criteria: GeneDx Variant Classification Process June 2021. Collection method: clinical testing. Allele origin: germline. Affected: yes.
Comment: Not observed at significant frequency in large population cohorts (gnomAD); In silico analysis supports that this missense variant has a deleterious effect on protein structure/function; Has not been previously published as pathogenic or benign to our knowledge